The following is an entry in ClinVar:

ClinVar aggregate classification (germline): Uncertain significance. Review status: criteria provided, multiple submitters, no conflicts (2 of 4 stars). 2 submissions from 2 submitters: Uncertain significance (2). Last evaluated 2025-08-25.

Conditions:
Inborn genetic diseases. Identifiers: MedGen C0950123, MeSH D030342.

Allele frequency attached by ClinVar (database versions not stated): TOPMed below 0.00001; ExAC 0.00001; gnomAD 0.00002; 1000 Genomes Project 30x 0.00016; gnomAD exomes 0.00001; 1000 Genomes Project 0.00020.

Submissions (2):

Labcorp Genetics (formerly Invitae), Labcorp
Classification: Uncertain significance. Last evaluated: 2025-08-25. Review status: criteria provided, single submitter. Criteria: Invitae Variant Classification Sherloc (09022015). Collection method: clinical testing. Allele origin: germline.
Comment: This sequence change replaces arginine, which is basic and polar, with histidine, which is basic and polar, at codon 448 of the ZNF408 protein (p.Arg448His). This variant is present in population databases (rs572559808, gnomAD 0.006%). This variant has not been reported in the literature in individuals affected with ZNF408-related conditions. ClinVar contains an entry for this variant (Variation ID: 1955100). An algorithm developed to predict the effect of missense changes on protein structure and function outputs the following: PolyPhen-2: "Probably Damaging". The histidine amino acid residue is found in multiple mammalian species, which suggests that this missense change does not adversely affect protein function. In summary, the available evidence is currently insufficient to determine the role of this variant in disease. Therefore, it has been classified as a Variant of Uncertain Significance.

Ambry Genetics
Classification: Uncertain significance for Inborn genetic diseases. Last evaluated: 2025-06-07. Review status: criteria provided, single submitter. Criteria: Ambry Variant Classification Scheme 2023. Collection method: clinical testing. Allele origin: germline.

NM_024741.3(ZNF408):c.1343G>A (p.Arg448His)

Gene: ZNF408 (zinc finger protein 408; plus strand). Cytogenetic location: 11p11.2.
Variant type: single nucleotide variant.
Coding change: c.1343G>A on transcript NM_024741.3 (MANE Select); coding-DNA position 1343, G replaced by A.
Protein change: p.Arg448His; replaces arginine 448 with histidine.
Molecular consequence: missense variant.
Genome position (GRCh38, 1-based): chr11:46,705,043, G>A. VCF-style: chr11-46705043-G-A. GRCh37 (hg19) VCF-style: chr11-46726593-G-A.
Other names: c.1319G>A, p.Arg440His (NM_001184751.2); c.1343G>A (NM_024741.2); short protein forms R440H, R448H.
Identifiers: ClinVar variation 1955100 (VCV001955100.6), dbSNP rs572559808, ClinGen allele CA5966546.